The following is an entry in ClinVar:

NM_201384.3(PLEC):c.12328A>G (p.Thr4110Ala)

Gene: PLEC (plectin; minus strand). Cytogenetic location: 8q24.3.
Variant type: single nucleotide variant.
Coding change: c.12328A>G on transcript NM_201384.3 (MANE Select); coding-DNA position 12328, A replaced by G.
Protein change: p.Thr4110Ala; replaces threonine 4110 with alanine.
Molecular consequence: missense variant.
Genome position (GRCh38, 1-based): chr8:143,917,493, T>C on the plus strand (A>G on the coding strand, the complement: PLEC is on the minus strand). VCF-style: chr8-143917493-T-C. GRCh37 (hg19) VCF-style: chr8-144991661-T-C.
Other names: c.12409A>G, p.Thr4137Ala (NM_000445.5); c.12286A>G, p.Thr4096Ala (NM_201378.4); c.12262A>G, p.Thr4088Ala (NM_201379.3); c.12739A>G, p.Thr4247Ala (NM_201380.4); c.12232A>G, p.Thr4078Ala (NM_201381.3); c.12328A>G, p.Thr4110Ala (NM_201382.4); c.12340A>G, p.Thr4114Ala (NM_201383.3); short protein forms T4078A, T4088A, T4137A, T4247A, T4114A, T4096A, T4110A.
Identifiers: ClinVar variation 857475 (VCV000857475.10), dbSNP rs782757230, ClinGen allele CA4924120.
Genomic context (GRCh38, chr8:143,917,493, plus strand): 5'-TCTTCCGCTCCCGCTTCTTCTCCTTCAGCGGCAAGAGACACAGGCCCGTCTGGGGGTCAG[T>C]GATACAACGCTCCATCAGCTGCAGGTAGGTGAGGTTCTCCTCCGTGTTAGGGTCAAAGAA-3'
Protein context (NP_958786.1, residues 4100-4120): TYLQLMERCI[Thr4110Ala]DPQTGLCLLP

ClinVar aggregate classification (germline): Uncertain significance (1 of 4 stars; one submission).

Conditions:
Epidermolysis bullosa simplex 5B, with muscular dystrophy (EBS5B). Also called: Epidermolysis bullosa simplex with muscular dystrophy; EPIDERMOLYSIS BULLOSA SIMPLEX AND LIMB-GIRDLE MUSCULAR DYSTROPHY. Identifiers: Orphanet 257, MedGen C2931072, MONDO:0009181, OMIM 226670.
Epidermolysis bullosa simplex 5C, with pyloric atresia (EBS5C). Also called: PLEC1-Related Epidermolysis Bullosa with Pyloric Atresia; Epidermolysis bullosa simplex with pyloric atresia; PLEC-Related Epidermolysis Bullosa with Pyloric Atresia. Identifiers: Orphanet 158684, MedGen C2677349, MONDO:0012807, OMIM 612138.
Epidermolysis bullosa simplex, Ogna type (EBS5A). Also called: Pidermolysis bullosa simplex 5A, Ogna type; EPIDERMOLYSIS BULLOSA SIMPLEX 5A, OGNA TYPE. Identifiers: Orphanet 79401, MedGen C0432317, MONDO:0007555, OMIM 131950.
Autosomal recessive limb-girdle muscular dystrophy type 2Q (LGMDR17). Also called: MUSCULAR DYSTROPHY, LIMB-GIRDLE, AUTOSOMAL RECESSIVE 17. Identifiers: Orphanet 254361, MedGen C3150989, MONDO:0013390, OMIM 613723.
Epidermolysis bullosa simplex with nail dystrophy (EBS5D). Identifiers: MedGen C4225309, MONDO:0014661, OMIM 616487.

Allele frequency attached by ClinVar (database versions not stated): TOPMed below 0.00001; gnomAD 0.00001; gnomAD exomes 0.00001 and 0.00003; ExAC 0.00003.
gnomAD v4.1: 8 of 1,613,718 alleles (0.0005%); highest among the groups gnomAD compares: East Asian, 0.0089%; no homozygotes.

Submission:

Labcorp Genetics (formerly Invitae), Labcorp
Classification: Uncertain significance for Autosomal recessive limb-girdle muscular dystrophy type 2Q; Epidermolysis bullosa simplex, Ogna type; Epidermolysis bullosa simplex with nail dystrophy; Epidermolysis bullosa simplex 5C, with pyloric atresia; Epidermolysis bullosa simplex 5B, with muscular dystrophy. Last evaluated: 2022-06-04. Review status: criteria provided, single submitter. Criteria: Invitae Variant Classification Sherloc (09022015). Collection method: clinical testing. Allele origin: germline.
Comment: This sequence change replaces threonine, which is neutral and polar, with alanine, which is neutral and non-polar, at codon 4137 of the PLEC protein (p.Thr4137Ala). This variant is present in population databases (rs782757230, gnomAD 0.02%). This variant has not been reported in the literature in individuals affected with PLEC-related conditions. ClinVar contains an entry for this variant (Variation ID: 857475). Algorithms developed to predict the effect of missense changes on protein structure and function (SIFT, PolyPhen-2, Align-GVGD) all suggest that this variant is likely to be disruptive. In summary, the available evidence is currently insufficient to determine the role of this variant in disease. Therefore, it has been classified as a Variant of Uncertain Significance.